The following is an entry in ClinVar:

NM_001135998.3(NDUFB11):c.338+12G>A

Gene: NDUFB11 (NADH:ubiquinone oxidoreductase subunit B11; minus strand). Cytogenetic location: Xp11.3.
Variant type: single nucleotide variant.
Coding change: c.338+12G>A on transcript NM_001135998.3 (MANE Select); 12 bases into the intron after coding-DNA position 338, G replaced by A.
Molecular consequence: intron variant. On other transcripts: missense variant (1).
Genome position (GRCh38, 1-based): chrX:47,142,602, C>T on the plus strand (G>A on the coding strand, the complement: NDUFB11 is on the minus strand). VCF-style: chrX-47142602-C-T. GRCh37 (hg19) VCF-style: chrX-47002001-C-T.
Other names: c.350G>A, p.Cys117Tyr (NM_019056.7); short protein forms C117Y.
Identifiers: ClinVar variation 4808242 (VCV004808242.1).

ClinVar aggregate classification (germline): Uncertain significance (1 of 4 stars; one submission).

Submission:

Labcorp Genetics (formerly Invitae), Labcorp
Classification: Uncertain significance. Last evaluated: 2025-08-11. Review status: criteria provided, single submitter. Criteria: Invitae Variant Classification Sherloc (09022015). Collection method: clinical testing. Allele origin: germline.
Comment: This sequence change replaces cysteine, which is neutral and slightly polar, with tyrosine, which is neutral and polar, at codon 117 of the NDUFB11 protein (p.Cys117Tyr). This variant is present in population databases (rs782024183, gnomAD 0.006%). This variant has not been reported in the literature in individuals affected with NDUFB11-related conditions. An algorithm developed to predict the effect of missense changes on protein structure and function outputs the following: PolyPhen-2: "Benign". The tyrosine amino acid residue is found in multiple mammalian species, which suggests that this missense change does not adversely affect protein function. Algorithms developed to predict the effect of sequence changes on RNA splicing suggest that this variant may create or strengthen a splice site. In summary, the available evidence is currently insufficient to determine the role of this variant in disease. Therefore, it has been classified as a Variant of Uncertain Significance.